The following is an entry in ClinVar:

ClinVar aggregate classification (germline): Uncertain significance (1 of 4 stars; one submission).

Conditions:
Inborn genetic diseases. Identifiers: MedGen C0950123, MeSH D030342.

Allele frequency attached by ClinVar (database versions not stated): TOPMed below 0.00001.

Submission:

Ambry Genetics
Classification: Uncertain significance for Inborn genetic diseases. Last evaluated: 2023-06-25. Review status: criteria provided, single submitter. Criteria: Ambry Variant Classification Scheme 2023. Collection method: clinical testing. Allele origin: germline.
Comment: The p.P1212L variant (also known as c.3635C>T), located in coding exon 27 of the LRRK2 gene, results from a C to T substitution at nucleotide position 3635. The proline at codon 1212 is replaced by leucine, an amino acid with similar properties. This amino acid position is conserved. In addition, the in silico prediction for this alteration is inconclusive. Since supporting evidence is limited at this time, the clinical significance of this alteration remains unclear.

NM_198578.4(LRRK2):c.3635C>T (p.Pro1212Leu)

Gene: LRRK2 (leucine rich repeat kinase 2; plus strand). Cytogenetic location: 12q12.
Variant type: single nucleotide variant.
Coding change: c.3635C>T on transcript NM_198578.4 (MANE Select); coding-DNA position 3635, C replaced by T.
Protein change: p.Pro1212Leu; replaces proline 1212 with leucine.
Molecular consequence: missense variant.
Genome position (GRCh38, 1-based): chr12:40,303,992, C>T. VCF-style: chr12-40303992-C-T. GRCh37 (hg19) VCF-style: chr12-40697794-C-T.
Other names: short protein forms P1212L.
Identifiers: ClinVar variation 2587240 (VCV002587240.2), dbSNP rs1944718323, ClinGen allele CA384416618.